The following is an entry in ClinVar:

NM_002335.4(LRP5):c.2428A>G (p.Thr810Ala)

Gene: LRP5 (LDL receptor related protein 5; plus strand). Cytogenetic location: 11q13.2.
Variant type: single nucleotide variant.
Coding change: c.2428A>G on transcript NM_002335.4 (MANE Select); coding-DNA position 2428, A replaced by G.
Protein change: p.Thr810Ala; replaces threonine 810 with alanine.
Molecular consequence: missense variant.
Genome position (GRCh38, 1-based): chr11:68,411,545, A>G. VCF-style: chr11-68411545-A-G. GRCh37 (hg19) VCF-style: chr11-68179013-A-G.
Other names: c.685A>G, p.Thr229Ala (NM_001291902.2); short protein forms T229A, T810A.
Identifiers: ClinVar variation 1052369 (VCV001052369.9), dbSNP rs778726416, ClinGen allele CA6149632.

ClinVar aggregate classification (germline): Uncertain significance (1 of 4 stars; one submission).

Allele frequency attached by ClinVar (database versions not stated): gnomAD exomes below 0.00001 and 0.00001; ExAC 0.00002.
gnomAD v4.1: 5 of 1,613,732 alleles (0.00031%); highest among the groups gnomAD compares: Non-Finnish European, 0.00034%; no homozygotes.

Submission:

Labcorp Genetics (formerly Invitae), Labcorp
Classification: Uncertain significance. Last evaluated: 2025-09-02. Review status: criteria provided, single submitter. Criteria: Invitae Variant Classification Sherloc (09022015). Collection method: clinical testing. Allele origin: germline.
Comment: This sequence change replaces threonine, which is neutral and polar, with alanine, which is neutral and non-polar, at codon 810 of the LRP5 protein (p.Thr810Ala). This variant is present in population databases (rs778726416, gnomAD 0.005%). This variant has not been reported in the literature in individuals affected with LRP5-related conditions. ClinVar contains an entry for this variant (Variation ID: 1052369). Invitae Evidence Modeling of protein sequence and biophysical properties (such as structural, functional, and spatial information, amino acid conservation, physicochemical variation, residue mobility, and thermodynamic stability) has been performed for this missense variant. However, the output from this modeling did not meet the statistical confidence thresholds required to predict the impact of this variant on LRP5 protein function. In summary, the available evidence is currently insufficient to determine the role of this variant in disease. Therefore, it has been classified as a Variant of Uncertain Significance.